The following is an entry in ClinVar:

NM_004187.5(KDM5C):c.2813_2816dup (p.Pro940fs)

Gene: KDM5C (lysine demethylase 5C; minus strand). Cytogenetic location: Xp11.22.
Variant type: Duplication.
Coding change: c.2813_2816dup on transcript NM_004187.5 (MANE Select); coding-DNA positions 2813 to 2816, 4 bases duplicated (TGGC; older notation c.2813_2816dupTGGC).
Protein change: p.Pro940fs; shifts the reading frame from proline 940.
Molecular consequence: frameshift variant. On other transcripts: non-coding transcript variant (3).
Genome position (GRCh38, 1-based): chrX:53,196,851-53,196,854, GCCA duplicated on the plus strand (TGGC on the coding strand, the reverse complement: KDM5C is on the minus strand); duplicating any 4 consecutive bases within chrX:53,196,851-53,196,855 gives the same sequence; the c. name uses the placement nearest the transcript's 3' end. VCF-style (leftmost placement, unchanged base first): chrX-53196850-G-GGCCA. GRCh37 (hg19) VCF-style: chrX-53226032-G-GGCCA.
Other names: c.2612_2615dup, p.Pro873fs (NM_001146702.2); c.2810_2813dup, p.Pro939fs (NM_001282622.3, NM_001353979.2, NM_001353982.2); c.2813_2816dup, p.Pro940fs (NM_001353978.3, NM_001353981.2, NM_001353984.2); short protein forms P873fs, P939fs, P940fs.
Identifiers: ClinVar variation 1805730 (VCV001805730.1), dbSNP rs2519397716, ClinGen allele CA923726212.

ClinVar aggregate classification (germline): Pathogenic (1 of 4 stars; one submission).

Conditions:
Intellectual developmental disorder, X-linked, syndromic, Claes-Jensen type. Also called: INTELLECTUAL DEVELOPMENTAL DISORDER, X-LINKED, SYNDROMIC 16; MENTAL RETARDATION, X-LINKED, SYNDROMIC 16; Syndromic X-linked intellectual disability Claes-Jensen type. Identifiers: Orphanet 85279, MedGen C1845243, MONDO:0010355, OMIM 300534.

Submission:

Victorian Clinical Genetics Services, Murdoch Childrens Research Institute
Classification: Pathogenic for Intellectual developmental disorder, X-linked, syndromic, Claes-Jensen type. Last evaluated: 2020-06-11. Review status: criteria provided, single submitter. Criteria: ACMG Guidelines, 2015. Collection method: clinical testing. Allele origin: germline. Inheritance: X-linked recessive inheritance.
Comment: Based on the classification scheme VCGS_Germline_v1.1.1, this variant is classified as Pathogenic. Following criteria are met: 0102 - Loss-of-function is a known mechanism of disease for this gene. (N) 0109 - This gene is known to be associated with X-linked recessive disease. (N) 0201 - Variant is predicted to cause nonsense-mediated decay (NMD) and loss of protein (exon 19 of 26). (P) 0253 - Variant is hemizygous. (N) 0301 - Variant is absent from gnomAD. (P) 0701 - Comparable variants have very strong previous evidence for pathogenicity (ClinVar). (P) 0807 - Variant has not previously been reported in a clinical context. (N) 0905 - No segregation evidence has been identified for this variant. (N) 1007 - No published functional evidence has been identified for this variant. (N) 1102 - Strong phenotype match. (P) Legend: (P) - Pathogenic, (N) - Neutral, (B) - Benign